The following is an entry in ClinVar:

ClinVar aggregate classification (germline): Uncertain significance (1 of 4 stars; one submission).

Conditions:
Cardiovascular phenotype. Identifiers: MedGen CN230736.
Hereditary cancer-predisposing syndrome. Also called: Tumor predisposition; Hereditary neoplastic syndrome; Neoplastic Syndromes, Hereditary; Hereditary Cancer Syndrome. Identifiers: Orphanet 140162, MedGen C0027672, MeSH D009386, MONDO:0015356.

Submission:

Ambry Genetics
Classification: Uncertain significance for Cardiovascular phenotype; Hereditary cancer-predisposing syndrome. Last evaluated: 2025-05-03. Review status: criteria provided, single submitter. Criteria: Ambry Variant Classification Scheme 2023. Collection method: clinical testing. Allele origin: germline.
Comment: The p.A1470S variant (also known as c.4408G>T), located in coding exon 33 of the NF1 gene, results from a G to T substitution at nucleotide position 4408. The alanine at codon 1470 is replaced by serine, an amino acid with similar properties. This amino acid position is conserved. In addition, this alteration is predicted to be tolerated by in silico analysis. Based on the available evidence, the clinical significance of this variant remains unclear.

NM_001042492.3(NF1):c.4471G>T (p.Ala1491Ser)

Gene: NF1 (neurofibromin 1; plus strand). Cytogenetic location: 17q11.2.
Variant type: single nucleotide variant.
Coding change: c.4471G>T on transcript NM_001042492.3 (MANE Select); coding-DNA position 4471, G replaced by T.
Protein change: p.Ala1491Ser; replaces alanine 1491 with serine.
Molecular consequence: missense variant.
Genome position (GRCh38, 1-based): chr17:31,260,409, G>T. VCF-style: chr17-31260409-G-T. GRCh37 (hg19) VCF-style: chr17-29587427-G-T.
Other names: c.4408G>T, p.Ala1470Ser (NM_000267.4); short protein forms A1470S, A1491S.
Identifiers: ClinVar variation 4026458 (VCV004026458.1).